The following is an entry in ClinVar:

ClinVar aggregate classification (germline): Benign (1 of 4 stars; one submission).

gnomAD v4.1: 17,135 of 1,611,302 alleles (1.1%); highest among the groups gnomAD compares: Middle Eastern, 1.8%; 119 homozygotes.

Submission:

CeGaT Center for Human Genetics Tuebingen
Classification: Benign. Last evaluated: 2026-09-01. Review status: criteria provided, single submitter. Criteria: CeGaT Center For Human Genetics Tuebingen Variant Classification Criteria Version 2. Collection method: clinical testing. Allele origin: germline. Affected: yes. Observed: 27 variant alleles.
Comment: DOCK4: BP4, BS1, BS2

NM_001363540.2(DOCK4):c.5224C>G (p.Pro1742Ala)

Gene: DOCK4 (dedicator of cytokinesis 4; minus strand). Cytogenetic location: 7q31.1.
Variant type: single nucleotide variant.
Coding change: c.5224C>G on transcript NM_001363540.2 (MANE Select); coding-DNA position 5224, C replaced by G.
Protein change: p.Pro1742Ala; replaces proline 1742 with alanine.
Molecular consequence: missense variant.
Genome position (GRCh38, 1-based): chr7:111,739,142, G>C on the plus strand (C>G on the coding strand, the complement: DOCK4 is on the minus strand). VCF-style: chr7-111739142-G-C. GRCh37 (hg19) VCF-style: chr7-111379198-G-C.
Other names: c.5197C>G, p.Pro1733Ala (NM_014705.4); short protein forms P1733A, P1742A.
Identifiers: ClinVar variation 3770456 (VCV003770456.13).